The following is an entry in ClinVar:

ClinVar aggregate classification (germline): Conflicting classifications of pathogenicity. Review status: criteria provided, conflicting classifications (1 of 4 stars). 6 submissions from 6 submitters: Uncertain significance (1); Benign (1); Likely benign (4). Last evaluated 2025-12-01.

Allele frequency attached by ClinVar (database versions not stated): gnomAD exomes 0.00015 and 0.00034; gnomAD 0.00019 and 0.00021; TOPMed 0.00028; 1000 Genomes Project 30x 0.00031; ExAC 0.00035; 1000 Genomes Project 0.00040.
gnomAD v4.1: 385 of 1,614,006 alleles (0.024%); highest among the groups gnomAD compares: Admixed American, 0.075%; 6 homozygotes.

Submissions (6):

CeGaT Center for Human Genetics Tuebingen
Classification: Likely benign. Last evaluated: 2025-12-01. Review status: criteria provided, single submitter. Criteria: CeGaT Center For Human Genetics Tuebingen Variant Classification Criteria Version 2. Collection method: clinical testing. Allele origin: germline. Affected: yes. Observed: 1 variant allele.
Comment: SYNE4: BP4

Blueprint Genetics
Classification: Likely benign. Last evaluated: 2024-11-25. Review status: criteria provided, single submitter. Criteria: ACMG Guidelines, 2015. Collection method: clinical testing. Allele origin: germline.

Labcorp Genetics (formerly Invitae), Labcorp
Classification: Uncertain significance. Last evaluated: 2022-08-09. Review status: criteria provided, single submitter. Criteria: Invitae Variant Classification Sherloc (09022015). Collection method: clinical testing. Allele origin: germline.
Comment: This sequence change replaces arginine, which is basic and polar, with glutamine, which is neutral and polar, at codon 321 of the SYNE4 protein (p.Arg321Gln). This variant is present in population databases (rs150043310, gnomAD 0.1%). This variant has not been reported in the literature in individuals affected with SYNE4-related conditions. ClinVar contains an entry for this variant (Variation ID: 504862). Algorithms developed to predict the effect of missense changes on protein structure and function output the following: SIFT: "Tolerated"; PolyPhen-2: "Possibly Damaging"; Align-GVGD: "Class C0". The glutamine amino acid residue is found in multiple mammalian species, which suggests that this missense change does not adversely affect protein function. Algorithms developed to predict the effect of sequence changes on RNA splicing suggest that this variant may create or strengthen a splice site. In summary, the available evidence is currently insufficient to determine the role of this variant in disease. Therefore, it has been classified as a Variant of Uncertain Significance.

Athena Diagnostics
Classification: Likely benign. Last evaluated: 2019-11-04. Review status: criteria provided, single submitter. Criteria: Athena Diagnostics Criteria. Collection method: clinical testing. Allele origin: unknown.

GeneDx
Classification: Benign. Last evaluated: 2019-08-13. Review status: criteria provided, single submitter. Criteria: GeneDx Variant Classification Process June 2021. Collection method: clinical testing. Allele origin: germline. Affected: yes.

Laboratory for Molecular Medicine, Mass General Brigham Personalized Medicine
Classification: Likely benign. Last evaluated: 2017-09-12. Review status: criteria provided, single submitter. Criteria: LMM Criteria. Collection method: clinical testing. Allele origin: germline. Observed: 2 variant alleles.
Comment: p.Arg321Gln in exon 6 of SYNE4: This variant is not expected to have clinical si gnificance due to a lack of conservation across species, including mammals. Of n ote, >10 mammals have a Gln at this position. In addition, computational predict ion tools do not suggest a high likelihood of impact to the protein. This varian t has also been identified in 0.11% (21/18870) of East Asian chromosomes includi ng 2 by the Genome Aggregation Database (gnomAD, g; dbSNP rs150043310).

NM_001039876.3(SYNE4):c.962G>A (p.Arg321Gln)

Gene: SYNE4 (spectrin repeat containing nuclear envelope family member 4; minus strand). Cytogenetic location: 19q13.12.
Variant type: single nucleotide variant.
Coding change: c.962G>A on transcript NM_001039876.3 (MANE Select); coding-DNA position 962, G replaced by A.
Protein change: p.Arg321Gln; replaces arginine 321 with glutamine.
Molecular consequence: missense variant.
Genome position (GRCh38, 1-based): chr19:36,005,343, C>T on the plus strand (G>A on the coding strand, the complement: SYNE4 is on the minus strand). VCF-style: chr19-36005343-C-T. GRCh37 (hg19) VCF-style: chr19-36496245-C-T.
Other names: c.623G>A, p.Arg208Gln (NM_001297735.3); short protein forms R321Q, R208Q.
Identifiers: ClinVar variation 504862 (VCV000504862.16), dbSNP rs150043310, ClinGen allele CA9393796.
Genomic context (GRCh38, chr19:36,005,343, plus strand): 5'-ACTTGCCATCAAGATTCCTGAGTGCTACACCTGGTTGAGAACTGGCTCACCTGAGGCTTC[C>T]GGAGCAGGGAGTGTCTTTGGTGACGTGCTAAGCGTTTCTGGTGGCCGAGGCCAGACTCCA-3'
Protein context (NP_001034965.1, residues 311-331): LARHQRHSLL[Arg321Gln]KPQDKKRQAS